The following is an entry in ClinVar:

NM_175914.5(HNF4A):c.241G>T (p.Val81Leu)

Gene: HNF4A (hepatocyte nuclear factor 4 alpha; plus strand). Cytogenetic location: 20q13.12.
Variant type: single nucleotide variant.
Coding change: c.241G>T on transcript NM_175914.5 (MANE Select); coding-DNA position 241, G replaced by T.
Protein change: p.Val81Leu; replaces valine 81 with leucine.
Molecular consequence: missense variant.
Genome position (GRCh38, 1-based): chr20:44,407,397, G>T. VCF-style: chr20-44407397-G-T. GRCh37 (hg19) VCF-style: chr20-43036037-G-T.
Other names: c.307G>T, p.Val103Leu (NM_000457.6, NM_178849.3, NM_178850.3); c.241G>T, p.Val81Leu (NM_001030003.3, NM_001030004.3); c.286G>T, p.Val96Leu (NM_001258355.2); c.232G>T, p.Val78Leu (NM_001287182.2, NM_001287183.2, NM_001287184.2); short protein forms V103L, V81L, V96L, V78L.
Identifiers: ClinVar variation 2775412 (VCV002775412.2), dbSNP rs772786482, ClinGen allele CA9870203.

ClinVar aggregate classification (germline): Uncertain significance (1 of 4 stars; one submission).

Conditions:
Maturity-onset diabetes of the young (MODY). Also called: Maturity onset diabetes mellitus in young. Identifiers: Orphanet 552, MedGen C0342276, MONDO:0018911, HP:0004904.

gnomAD v4.1: 2 of 1,610,836 alleles (0.00012%); highest among the groups gnomAD compares: Non-Finnish European, 0.00017%; no homozygotes.

Submission:

MVZ Dr. Eberhard & Partner Dortmund
Classification: Uncertain significance for Maturity-onset diabetes of the young. Last evaluated: 2022-11-11. Review status: criteria provided, single submitter. Criteria: ACMG Guidelines, 2015. Collection method: clinical testing. Allele origin: unknown. Observed: 1 heterozygote.
Comment: The variant was present in control databases such as GnomAD with a frequency of 0.0004 % in different ethnicities and a frequency of 0,00089% in the non finish european population. It was not present in variant databases. In silico algorithms were uncertain concerning the effect on the gene product. The variant HNF4A c.241G>A at the same nucleotide position was classified in LOVD3 as benign and variant of uncertain significance and in ClinVar as variant of uncertain significance.